The following is an entry in ClinVar:

ClinVar aggregate classification (germline): Benign (1 of 4 stars; one submission).

Conditions:
EPILEPSY, CHILDHOOD ABSENCE, SUSCEPTIBILITY TO, 2 (ECA2). Identifiers: Orphanet 64280, MedGen C1843244, OMIM 607681.

Allele frequency attached by ClinVar (database versions not stated): 1000 Genomes Project 30x 0.51124; 1000 Genomes Project 0.51458; gnomAD exomes 0.34106; gnomAD 0.44730 and 0.45013; TOPMed 0.44789.
gnomAD v4.1: 68,598 of 152,596 alleles (45%); highest among the groups gnomAD compares: East Asian, 68%; 16,102 homozygotes.

Submission:

Illumina Laboratory Services, Illumina
Classification: Benign for Febrile seizures, familial, 8. Last evaluated: 2018-01-13. Review status: criteria provided, single submitter. Criteria: ICSL Variant Classification Criteria 13 December 2019. Collection method: clinical testing. Allele origin: germline.
Comment: This variant was observed in the ICSL laboratory as part of a predisposition screen in an ostensibly healthy population. It had not been previously curated by ICSL or reported in the Human Gene Mutation Database (HGMD: prior to June 1st, 2018), and was therefore a candidate for classification through an automated scoring system. Utilizing variant allele frequency, disease prevalence and penetrance estimates, and inheritance mode, an automated score was calculated to assess if this variant is too frequent to cause the disease. Based on the score and internal cut-off values, a variant classified as benign is not then subjected to further curation. The score for this variant resulted in a classification of benign for this disease.

NM_198904.4(GABRG2):c.*661T>A

Gene: GABRG2 (gamma-aminobutyric acid type A receptor subunit gamma2; plus strand). Cytogenetic location: 5q34.
Variant type: single nucleotide variant.
Coding change: c.*661T>A on transcript NM_198904.4 (MANE Select); 661 bases downstream of the stop codon, T replaced by A.
Molecular consequence: 3 prime UTR variant.
Genome position (GRCh38, 1-based): chr5:162,154,029, T>A. VCF-style: chr5-162154029-T-A. GRCh37 (hg19) VCF-style: chr5-161581035-T-A.
Other names: c.*661T>A (NM_000816.3, NM_001375339.1, NM_001375341.1 and 10 more transcripts); c.*923T>A (NM_001375340.1).
Identifiers: ClinVar variation 352656 (VCV000352656.5), dbSNP rs424740, ClinGen allele CA10623930.